The following is an entry in ClinVar:

ClinVar aggregate classification (germline): Benign/Likely benign. Review status: criteria provided, multiple submitters, no conflicts (2 of 4 stars). 3 submissions from 3 submitters: Benign (1); Likely benign (2). Last evaluated 2025-06-13.

Conditions:
Chuvash polycythemia. Also called: POLYCYTHEMIA, VHL-DEPENDENT. Identifiers: Orphanet 238557, MedGen C1837915, MONDO:0009892, OMIM 263400.
Von Hippel-Lindau syndrome (VHLS). Also called: von Hippel–Lindau syndrome; VHL syndrome; Von Hippel-Lindau. Identifiers: Orphanet 892, MedGen C0019562, MONDO:0008667, OMIM 193300. Disease mechanism: loss of function.
Hereditary cancer-predisposing syndrome. Also called: Neoplastic Syndromes, Hereditary; Tumor predisposition; Hereditary Cancer Syndrome; Hereditary neoplastic syndrome. Identifiers: Orphanet 140162, MedGen C0027672, MeSH D009386, MONDO:0015356.

Submissions (3):

Myriad Genetics, Inc.
Classification: Benign for Von Hippel-Lindau syndrome. Last evaluated: 2025-06-13. Review status: criteria provided, single submitter. Criteria: Myriad Autosomal Dominant, Autosomal Recessive and X-Linked Classification Criteria (2023). Collection method: clinical testing. Allele origin: unknown.
Comment: This variant is considered benign. This variant is a silent/synonymous amino acid change and it is not expected to impact splicing.

Labcorp Genetics (formerly Invitae), Labcorp
Classification: Likely benign for Von Hippel-Lindau syndrome; Chuvash polycythemia. Last evaluated: 2022-06-29. Review status: criteria provided, single submitter. Criteria: Invitae Variant Classification Sherloc (09022015). Collection method: clinical testing. Allele origin: germline.

Ambry Genetics
Classification: Likely benign for Hereditary cancer-predisposing syndrome. Last evaluated: 2020-01-02. Review status: criteria provided, single submitter. Criteria: Ambry Variant Classification Scheme 2023. Collection method: clinical testing. Allele origin: germline.

NM_000551.4(VHL):c.562C>T (p.Leu188=)

Genes: VHL (von Hippel-Lindau tumor suppressor; plus strand), LOC107303340 (3p25 von Hippel-Lindau tumor suppressor, E3 ubiquitin protein ligase Alu-mediated recombination region; plus strand). Cytogenetic location: 3p25.3.
Variant type: single nucleotide variant.
Coding change: c.562C>T on transcript NM_000551.4 (MANE Select); coding-DNA position 562, C replaced by T.
Protein change: p.Leu188=; no amino-acid change (leucine 188 retained).
Molecular consequence: synonymous variant. On other transcripts: 3 prime UTR variant (1), non-coding transcript variant (1).
Genome position (GRCh38, 1-based): chr3:10,149,885, C>T. VCF-style: chr3-10149885-C-T. GRCh37 (hg19) VCF-style: chr3-10191569-C-T.
Other names: c.*116C>T (NM_001354723.2); c.439C>T, p.Leu147= (NM_198156.3).
Identifiers: ClinVar variation 1748739 (VCV001748739.8), dbSNP rs5030824, ClinGen allele CA432423668.
Genomic context (GRCh38, chr3:10,149,885, plus strand): 5'-AGCCTAGTCAAGCCTGAGAATTACAGGAGACTGGACATCGTCAGGTCGCTCTACGAAGAT[C>T]TGGAAGACCACCCAAATGTGCAGAAAGACCTGGAGCGGCTGACACAGGAGCGCATTGCAC-3'
Protein context (NP_000542.1, residues 178-198): LDIVRSLYED[Leu188=]EDHPNVQKDL